The following is an entry in ClinVar:

NM_001136035.4(TRMT1):c.1834-7C>T

Gene: TRMT1 (tRNA methyltransferase 1; minus strand). Cytogenetic location: 19p13.13.
Variant type: single nucleotide variant.
Coding change: c.1834-7C>T on transcript NM_001136035.4 (MANE Select); 7 bases into the intron before coding-DNA position 1834, C replaced by T.
Molecular consequence: intron variant.
Genome position (GRCh38, 1-based): chr19:13,105,088, G>A on the plus strand (C>T on the coding strand, the complement: TRMT1 is on the minus strand). VCF-style: chr19-13105088-G-A. GRCh37 (hg19) VCF-style: chr19-13215902-G-A.
Other names: c.1726-7C>T (NM_001351761.2); c.1747-7C>T (NM_001351760.2, NM_001142554.3); c.1051-7C>T (NM_001351762.2); c.1834-7C>T (NM_017722.5).
Identifiers: ClinVar variation 1706460 (VCV001706460.4), dbSNP rs2513065519, ClinGen allele CA2580096541.

ClinVar aggregate classification (germline): Uncertain significance (1 of 4 stars; one submission).

Conditions:
Intellectual developmental disorder, autosomal recessive 68. Also called: MENTAL RETARDATION, AUTOSOMAL RECESSIVE 68. Identifiers: MedGen C4749033, MONDO:0032665, OMIM 618302.

Allele frequency attached by ClinVar (database versions not stated): gnomAD exomes below 0.00001.
gnomAD v4.1: 2 of 1,577,394 alleles (0.00013%); highest among the groups gnomAD compares: South Asian, 0.0012%; no homozygotes.

Submission:

Department of Genetics, Sultan Qaboos University Hospital
Classification: Uncertain significance for Intellectual developmental disorder, autosomal recessive 68. Last evaluated: 2026-04-01. Review status: criteria provided, single submitter. Criteria: ACMG Guidelines, 2015. Collection method: clinical testing. Allele origin: germline. Affected: yes. Observed: 1 variant allele.
Comment: PM2_Supporting, PP1_Moderate, BP4_Strong